The following is an entry in ClinVar:

NM_000057.4(BLM):c.2961T>G (p.Ser987=)

Gene: BLM (BLM RecQ like helicase; plus strand). Cytogenetic location: 15q26.1.
Variant type: single nucleotide variant.
Coding change: c.2961T>G on transcript NM_000057.4 (MANE Select); coding-DNA position 2961, T replaced by G.
Protein change: p.Ser987=; no amino-acid change (serine 987 retained).
Molecular consequence: synonymous variant.
Genome position (GRCh38, 1-based): chr15:90,790,786, T>G. VCF-style: chr15-90790786-T-G. GRCh37 (hg19) VCF-style: chr15-91334016-T-G.
Other names: c.2961T>G, p.Ser987= (NM_001287246.2, NM_001287247.2); c.1836T>G, p.Ser612= (NM_001287248.2).
Identifiers: ClinVar variation 4085767 (VCV004085767.8).

ClinVar aggregate classification (germline): Likely benign (1 of 4 stars; one submission).

Submission:

CeGaT Center for Human Genetics Tuebingen
Classification: Likely benign. Last evaluated: 2025-08-01. Review status: criteria provided, single submitter. Criteria: CeGaT Center For Human Genetics Tuebingen Variant Classification Criteria Version 2. Collection method: clinical testing. Allele origin: germline. Affected: yes. Observed: 1 variant allele.
Comment: BLM: PM2:Supporting, BP4, BP7